The following is an entry in ClinVar:

NM_003924.4(PHOX2B):c.651_760del (p.Pro218fs)

Genes: PHOX2B (paired like homeobox 2B; minus strand), LOC110011216 (paired like homeobox 2b polyalanine repeat instability region; plus strand). Cytogenetic location: 4p13.
Variant type: Deletion.
Coding change: c.651_760del on transcript NM_003924.4 (MANE Select); coding-DNA positions 651 to 760, 110 bases deleted.
Protein change: p.Pro218fs; shifts the reading frame from proline 218.
Molecular consequence: frameshift variant.
Genome position (GRCh38, 1-based): chr4:41,745,992-41,746,101, 110 bases deleted. GRCh37 (hg19): chr4:41,748,022-41,748,131.
Other names: c.651_760del110 (NM_003924.3); short protein forms P218fs.
Identifiers: ClinVar variation 4813344 (VCV004813344.2).

ClinVar aggregate classification (germline): Pathogenic/Likely pathogenic. Review status: criteria provided, multiple submitters, no conflicts (2 of 4 stars). 2 submissions from 2 submitters: Pathogenic (1); Likely pathogenic (1). Last evaluated 2025-07-09.

Conditions:
PHOX2B-related disorder. Also called: PHOX2B-related condition.
Central hypoventilation syndrome, congenital, 1, with or without Hirschsprung disease (CCHS1). Also called: CENTRAL HYPOVENTILATION SYNDROME, CONGENITAL, 1; Congenital Central Hypoventilation Syndrome (CCHS); AUTONOMIC CONTROL, CONGENITAL FAILURE OF; ONDINE CURSE, CONGENITAL; Central hypoventilation syndrome, congenital, 1, with or without Hirschsprung. Identifiers: Orphanet 661, MedGen C5562075, MONDO:0800026, OMIM 209880.

Submissions (2):

PreventionGenetics, part of Exact Sciences
Classification: Likely pathogenic for PHOX2B-related condition. Last evaluated: 2025-07-09. Review status: criteria provided, single submitter. Criteria: ACMG Guidelines, 2015. Collection method: clinical testing. Allele origin: germline.
Comment: The PHOX2B c.651_760del110 variant is predicted to result in a frameshift and premature protein termination (p.Pro218Serfs*105). To our knowledge, this variant has not been reported in the literature or in a large population database (gnomAD), indicating this variant is rare. This variant is located in the final exon of the gene and in the polyalanine repeat mutations (PARM) region of the gene and it is unclear if the resulting mRNA would undergo nonsense-mediated decay. However, similar downstream variants have been reported in individuals with congenital central hypoventilation syndrome (see for example: c.945A4T, p.X315CextX41 in Szczapa et al. 2013. PubMed ID: 24169930). This variant is interpreted as likely pathogenic.

Groupe Hospitalier Pitie Salpetriere, Uf Genomique Du Developpement, Assistance Publique Hopitaux de Paris Sorbonne Université
Classification: Pathogenic for Central hypoventilation syndrome, congenital, 1, with or without Hirschsprung disease. Last evaluated: 2022-10-01. Review status: criteria provided, single submitter. Criteria: ACMG Guidelines, 2015. Collection method: clinical testing. Allele origin: germline. Affected: yes.
Comment: This variant is a null variant (PVS1), found de novo (PS2) and absent or extremely rare in population databases (PM2_supp)